The following is an entry in ClinVar:

ClinVar aggregate classification (germline): Pathogenic/Likely pathogenic. Review status: criteria provided, multiple submitters, no conflicts (2 of 4 stars). 8 submissions from 8 submitters: Pathogenic (6); Likely pathogenic (1). 1 of the submissions does not count toward it. Last evaluated 2025-09-11.

Conditions:
COL4A5-related disorder. Also called: COL4A5-related condition.
X-linked Alport syndrome (ATS1). Also called: NEPHROPATHY AND DEAFNESS, X-LINKED; COL4A5-Related Nephropathy. Identifiers: Orphanet 63, Orphanet 88917, MedGen C4746986, MONDO:0010520, OMIM 301050.

Allele frequency attached by ClinVar (database versions not stated): gnomAD exomes below 0.00001.
gnomAD v4.1: 1 of 1,210,658 alleles (0.000083%); highest among the groups gnomAD compares: Non-Finnish European, 0.00011%; no homozygotes.

Submissions (8):

Natera, Inc.
Classification: Pathogenic for X-linked Alport syndrome. Last evaluated: 2025-09-11. Review status: criteria provided, single submitter. Criteria: Natera Variant Classification Schema (03/2026). Collection method: clinical testing. Allele origin: germline.
Comment: The c.3685G>A variant in COL4A5 is a missense variant predicted to cause substitution of glycine to serine at amino acid 1229. This variant is rare in the general population with a frequency below the threshold expected for the associated phenotype(s). This variant has been observed in affected individual(s) with monoallelic occurrence (heterozygous/hemizygous) (PMID: 28542346, 30586318, 36117978, 32939031, 40004525). This variant is located in a functionally critical region of the protein. Computational prediction algorithms indicate this variant is likely to affect gene or protein function. Given the available evidence, this variant is classified as Pathogenic.

Labcorp Genetics (formerly Invitae), Labcorp
Classification: Pathogenic. Last evaluated: 2025-08-25. Review status: criteria provided, single submitter. Criteria: Invitae Variant Classification Sherloc (09022015). Collection method: clinical testing. Allele origin: germline.
Comment: This sequence change replaces glycine, which is neutral and non-polar, with serine, which is neutral and polar, at codon 1229 of the COL4A5 protein (p.Gly1229Ser). This variant is not present in population databases (gnomAD no frequency). This missense change has been observed in individuals with Alport syndrome (PMID: 28542346). ClinVar contains an entry for this variant (Variation ID: 562403). Invitae Evidence Modeling of protein sequence and biophysical properties (such as structural, functional, and spatial information, amino acid conservation, physicochemical variation, residue mobility, and thermodynamic stability) indicates that this missense variant is expected to disrupt COL4A5 protein function with a positive predictive value of 95%. This variant disrupts the triple helix domain of COL4A5. Glycine residues within the Gly-Xaa-Yaa repeats of the triple helix domain are required for the structure and stability of fibrillar collagens (PMID: 7695699, 8218237, 19344236). In COL4A5, missense variants at these glycine residues are significantly enriched in individuals with disease (PMID: 23720012, 27627812) compared to the general population (ExAC). For these reasons, this variant has been classified as Pathogenic.

Fulgent Genetics
Classification: Pathogenic for X-linked Alport syndrome. Last evaluated: 2024-04-16. Review status: criteria provided, single submitter. Criteria: ACMG Guidelines, 2015. Collection method: clinical testing. Allele origin: germline.

PreventionGenetics, part of Exact Sciences
Classification: Pathogenic for COL4A5-related condition. Last evaluated: 2022-10-12. Review status: criteria provided, single submitter. Criteria: ACMG Guidelines, 2015. Collection method: clinical testing. Allele origin: germline.
Comment: The COL4A5 c.3685G>A variant is predicted to result in the amino acid substitution p.Gly1229Ser. This variant has been reported in several unrelated individuals with Alport syndrome (Supp. Table 2 in Jayasinghe K et al 2020. PubMed ID: 32939031; Liu JH et al 2017. PubMed ID: 28542346; Supp. Table 1 in Wang et al. 2012. PubMed ID: 22921432). The p.Gly1229 residue resides in the triple-helical region (residues 42 – 1456) of the COL4A5 protein. The majority of pathogenic variants in COL4A5 substitute a glycine residue to a bulkier amino acid in the triple-helical domain (Hudson et al. 1993. PubMed ID: 8253711). This variant has not been reported in a large population database, indicating this variant is rare. This variant is interpreted as pathogenic.

Institute of Human Genetics Munich, TUM University Hospital
Classification: Pathogenic for X-linked Alport syndrome. Last evaluated: 2019-06-07. Review status: criteria provided, single submitter. Criteria: Classification criteria August 2017. Collection method: clinical testing. Allele origin: germline, maternal. Inheritance: X-linked inheritance. Affected: yes. Observed: 1 heterozygote, 1 hemizygote.

Victorian Clinical Genetics Services, Murdoch Childrens Research Institute
Classification: Pathogenic for X-linked Alport syndrome. Last evaluated: 2018-05-21. Review status: criteria provided, single submitter. Criteria: ACMG Guidelines, 2015. Collection method: clinical testing. Allele origin: unknown. Affected: yes.
Comment: A hemizygous missense variant, NM_000495.4(COL4A5):c.3685G>A, has been identified in exon 41 of 51 of the COL4A5 gene. The variant is predicted to result in an amino acid change from a glycine to a serine at position 1229 of the protein, NP_000486.1(COL4A5):p.(Gly1229Ser). The glycine residue at this position has very high conservation (100 vertebrates, UCSC), and is located within the collagen domain. In silico predictions for this variant are consistently pathogenic (Polyphen, SIFT, CADD, Mutation Taster). The variant is absent in population databases (gnomAD, dbSNP, 1000G). However, this variant has previously been described in three patients clinically diagnosed with Alport syndrome (Liu, J., et al. (2017), Wang, F., et al. (2012)). Based on the information available at the time of curation, this variant has been classified as PATHOGENIC.

Juno Genomics, Hangzhou Juno Genomics, Inc
Classification: Likely pathogenic for X-linked Alport syndrome. Review status: criteria provided, single submitter. Criteria: ACMG Guidelines, 2015. Collection method: clinical testing. Allele origin: germline.
Comment: Absent from controls (or at extremely low frequency if recessive) in Genome Aggregation Database.;Multiple lines of computational evidence support a deleterious effect on the gene or gene product.;The prevalence of the variant in affected individuals is significantly increased compared to the prevalence in controls.;Patient's phenotype or family history is highly specific for a disease with a single genetic etiology.;Located in a mutational hot spot and/or critical and well-established functional domain without benign variation.

Gharavi Laboratory, Columbia University
Classification: Likely pathogenic. Last evaluated: 2018-09-16. Review status: no assertion criteria provided. Criteria: ACMG Guidelines, 2015. Collection method: research. Allele origin: germline. Affected: yes. Not counted in ClinVar's aggregate classification.

Literature cited by the submitters: PubMed 28542346 (cited by Natera, Inc. and Labcorp Genetics (formerly Invitae), Labcorp); PubMed 30586318 (cited by Natera, Inc.); PubMed 36117978 (cited by Natera, Inc.); PubMed 32939031 (cited by Natera, Inc.); PubMed 40004525 (cited by Natera, Inc.); PubMed 7695699 (cited by Labcorp Genetics (formerly Invitae), Labcorp); PubMed 8218237 (cited by Labcorp Genetics (formerly Invitae), Labcorp); PubMed 19344236 (cited by Labcorp Genetics (formerly Invitae), Labcorp); PubMed 23720012 (cited by Labcorp Genetics (formerly Invitae), Labcorp); PubMed 27627812 (cited by Labcorp Genetics (formerly Invitae), Labcorp).

NM_033380.3(COL4A5):c.3685G>A (p.Gly1229Ser)

Gene: COL4A5 (collagen type IV alpha 5 chain; plus strand). Cytogenetic location: Xq22.3.
Variant type: single nucleotide variant.
Coding change: c.3685G>A on transcript NM_033380.3 (MANE Select); coding-DNA position 3685, G replaced by A.
Protein change: p.Gly1229Ser; replaces glycine 1229 with serine.
Molecular consequence: missense variant.
Genome position (GRCh38, 1-based): chrX:108,668,399, G>A. VCF-style: chrX-108668399-G-A. GRCh37 (hg19) VCF-style: chrX-107911629-G-A.
Other names: c.3685G>A, p.Gly1229Ser (NM_000495.5); short protein forms G1229S.
Identifiers: ClinVar variation 562403 (VCV000562403.21), dbSNP rs1569505771, ClinGen allele CA413848729.